The following is an entry in ClinVar:

NM_000038.6(APC):c.4128T>G (p.Tyr1376Ter)

Gene: APC (APC regulator of Wnt signaling pathway; plus strand). Cytogenetic location: 5q22.2.
Variant type: single nucleotide variant.
Coding change: c.4128T>G on transcript NM_000038.6 (MANE Select); coding-DNA position 4128, T replaced by G.
Protein change: p.Tyr1376Ter; replaces tyrosine 1376 with a stop codon.
Molecular consequence: nonsense. On other transcripts: non-coding transcript variant (2).
Genome position (GRCh38, 1-based): chr5:112,839,722, T>G. VCF-style: chr5-112839722-T-G. GRCh37 (hg19) VCF-style: chr5-112175419-T-G.
Other names: c.4128T>G, p.Tyr1376Ter (NM_001127510.3, NM_001354895.2, NM_001407450.1); c.4074T>G, p.Tyr1358Ter (NM_001127511.3); c.4182T>G, p.Tyr1394Ter (NM_001354896.2, NM_001407447.1, NM_001407448.1 and 1 more transcripts); c.4158T>G, p.Tyr1386Ter (NM_001354897.2); c.4053T>G, p.Tyr1351Ter (NM_001354898.2); c.4044T>G, p.Tyr1348Ter (NM_001354899.2); c.4005T>G, p.Tyr1335Ter (NM_001354900.2); c.3951T>G, p.Tyr1317Ter (NM_001354901.2, NM_001407453.1); and 11 more; short protein forms Y1335*, Y1348*, Y1351*, Y1358*, Y1366*, Y1369*, Y1376*, Y1386*.
Identifiers: ClinVar variation 2583226 (VCV002583226.1), dbSNP rs1554085539, ClinGen allele CA16030373.
Genomic context (GRCh38, chr5:112,839,722, plus strand): 5'-AGGAGCGAAATCTCCCTCCAAAAGTGGTGCTCAGACACCCAAAAGTCCACCTGAACACTA[T>G]GTTCAGGAGACCCCACTCATGTTTAGCAGATGTACTTCTGTCAGTTCACTTGATAGTTTT-3'

ClinVar aggregate classification (germline): Pathogenic (1 of 4 stars; one submission).

Conditions:
Familial adenomatous polyposis 1 (FAP1). Also called: POLYPOSIS, ADENOMATOUS INTESTINAL; FAMILIAL ADENOMATOUS POLYPOSIS 1, ATTENUATED. Identifiers: MedGen C2713442, MONDO:0021056, OMIM 175100. Disease mechanism: loss of function.

Submission:

Myriad Genetics, Inc.
Classification: Pathogenic for Familial adenomatous polyposis 1. Last evaluated: 2023-05-10. Review status: criteria provided, single submitter. Criteria: Myriad Autosomal Dominant, Autosomal Recessive and X-Linked Classification Criteria (2023). Collection method: clinical testing. Allele origin: unknown.
Comment: This variant is considered pathogenic. This variant creates a termination codon and is predicted to result in premature protein truncation.